The following is an entry in ClinVar:

NM_001020658.2(PUM1):c.1652C>T (p.Pro551Leu)

Gene: PUM1 (pumilio RNA binding family member 1; minus strand). Cytogenetic location: 1p35.2.
Variant type: single nucleotide variant.
Coding change: c.1652C>T on transcript NM_001020658.2 (MANE Select); coding-DNA position 1652, C replaced by T.
Protein change: p.Pro551Leu; replaces proline 551 with leucine.
Molecular consequence: missense variant.
Genome position (GRCh38, 1-based): chr1:30,967,304, G>A on the plus strand (C>T on the coding strand, the complement: PUM1 is on the minus strand). VCF-style: chr1-30967304-G-A. GRCh37 (hg19) VCF-style: chr1-31440151-G-A.
Other names: c.1652C>T, p.Pro551Leu (NM_014676.3); short protein forms P551L.
Identifiers: ClinVar variation 4881580 (VCV004881580.2).
Genomic context (GRCh38, chr1:30,967,304, plus strand): 5'-GCGCCTGCATTCACTACAAGGGCACCAGTTTGGTCATAGTAAGCAGCAGGAGCCAACACC[G>A]GATAACCTAGGAATATCAAGCCAACAAAGAAATGTATATGTTAAACAAACAAGTATCTCC-3'
Protein context (NP_001018494.1, residues 541-561): QGLAAGMPGY[Pro551Leu]VLAPAAYYDQ

ClinVar aggregate classification (germline): Uncertain significance (1 of 4 stars; one submission).

Conditions:
Spinocerebellar ataxia 47 (NEDMSF). Also called: PADDAS SYNDROME; neurodevelopmental disorder with motor abnormalities, seizures, and facial dysmorphism. Identifiers: Orphanet 642747, MedGen C4693672, MONDO:0033482, OMIM 620719.

Submission:

Dasa
Classification: Uncertain significance for neurodevelopmental disorder with motor abnormalities, seizures, and facial dysmorphism. Last evaluated: 2025-08-12. Review status: criteria provided, single submitter. Criteria: DASA Assertion Criteria. Collection method: clinical testing. Allele origin: germline.
Comment: NM_001020658.2(PUM1):c.1652C>T (p.Pro551Leu) is a missense variant that results in the substitution of proline with leucine. This variant is absent from population databases. Computational prediction algorithms are consistent with a benign effect. The currently available literature and clinical evidence are not sufficient to establish a definitive association between this variant and the reported condition. Therefore, this variant is classified as a variant of uncertain significance.